The following is an entry in ClinVar:

ClinVar aggregate classification (germline): Uncertain significance (1 of 4 stars; one submission).

Conditions:
Ichthyosis linearis circumflexa. Identifiers: MedGen C0265962, MONDO:0043106, HP:0025810.

Submission:

Labcorp Genetics (formerly Invitae), Labcorp
Classification: Uncertain significance for Ichthyosis linearis circumflexa. Last evaluated: 2022-05-11. Review status: criteria provided, single submitter. Criteria: Invitae Variant Classification Sherloc (09022015). Collection method: clinical testing. Allele origin: germline.
Comment: This sequence change replaces methionine, which is neutral and non-polar, with threonine, which is neutral and polar, at codon 781 of the SPINK5 protein (p.Met781Thr). This variant is not present in population databases (gnomAD no frequency). This variant has not been reported in the literature in individuals affected with SPINK5-related conditions. Algorithms developed to predict the effect of missense changes on protein structure and function are either unavailable or do not agree on the potential impact of this missense change (SIFT: "Deleterious"; PolyPhen-2: "Probably Damaging"; Align-GVGD: "Class C0"). In summary, the available evidence is currently insufficient to determine the role of this variant in disease. Therefore, it has been classified as a Variant of Uncertain Significance.

NM_006846.4(SPINK5):c.2342T>C (p.Met781Thr)

Gene: SPINK5 (serine peptidase inhibitor Kazal type 5; plus strand). Cytogenetic location: 5q32.
Variant type: single nucleotide variant.
Coding change: c.2342T>C on transcript NM_006846.4 (MANE Select); coding-DNA position 2342, T replaced by C.
Protein change: p.Met781Thr; replaces methionine 781 with threonine.
Molecular consequence: missense variant.
Genome position (GRCh38, 1-based): chr5:148,120,037, T>C. VCF-style: chr5-148120037-T-C. GRCh37 (hg19) VCF-style: chr5-147499600-T-C.
Other names: c.2342T>C, p.Met781Thr (NM_001127698.2, NM_001127699.2); short protein forms M781T.
Identifiers: ClinVar variation 1949348 (VCV001949348.5), dbSNP rs2531787267, ClinGen allele CA361646097.
Genomic context (GRCh38, chr5:148,120,037, plus strand): 5'-GCACTTCCAATATAATCTTCCCATCTTTTCAGGATACATGTGATGAGTTTAGAAGCCAAA[T>C]GAAAAATGGAAAACTCATCTGCACTCGAGAAAGTGACCCTGTCCGGGGTCCAGATGGCAA-3'
Protein context (NP_006837.2, residues 771-791): KDTCDEFRSQ[Met781Thr]KNGKLICTRE